The following is an entry in ClinVar:

NM_014249.4(NR2E3):c.248G>A (p.Cys83Tyr)

Gene: NR2E3 (nuclear receptor subfamily 2 group E member 3; plus strand). Cytogenetic location: 15q23.
Variant type: single nucleotide variant.
Coding change: c.248G>A on transcript NM_014249.4 (MANE Select); coding-DNA position 248, G replaced by A.
Protein change: p.Cys83Tyr; replaces cysteine 83 with tyrosine.
Molecular consequence: missense variant.
Genome position (GRCh38, 1-based): chr15:71,811,768, G>A. VCF-style: chr15-71811768-G-A. GRCh37 (hg19) VCF-style: chr15-72104108-G-A.
Other names: c.248G>A, p.Cys83Tyr (NM_016346.4); c.248G>A (NM_014249.3); short protein forms C83Y.
Identifiers: ClinVar variation 1437259 (VCV001437259.6), dbSNP rs1012493577, ClinGen allele CA272574961.

ClinVar aggregate classification (germline): Conflicting classifications of pathogenicity. Review status: criteria provided, conflicting classifications (1 of 4 stars). 3 submissions from 3 submitters: Likely pathogenic (2); Uncertain significance (1). Last evaluated 2026-01-05.

Conditions:
Enhanced S-cone syndrome (ESCS). Identifiers: Orphanet 53540, MedGen C1849394, MONDO:0100288, MONDO:0009989.

Allele frequency attached by ClinVar (database versions not stated): gnomAD exomes below 0.00001 and 0.00001; gnomAD 0.00002 and 0.00003; TOPMed 0.00003.

Submissions (3):

Labcorp Genetics (formerly Invitae), Labcorp
Classification: Uncertain significance. Last evaluated: 2026-01-05. Review status: criteria provided, single submitter. Criteria: Invitae Variant Classification Sherloc (09022015). Collection method: clinical testing. Allele origin: germline.
Comment: This sequence change replaces cysteine, which is neutral and slightly polar, with tyrosine, which is neutral and polar, at codon 83 of the NR2E3 protein (p.Cys83Tyr). This variant is present in population databases (no rsID available, gnomAD 0.01%). This missense change has been observed in individual(s) with autosomal recessive enhanced S-cone syndrome (PMID: 20725840, 32679203, 37734845). ClinVar contains an entry for this variant (Variation ID: 1437259). Experimental studies and prediction algorithms are not available or were not evaluated, and the functional significance of this variant is currently unknown. In summary, the available evidence is currently insufficient to determine the role of this variant in disease. Therefore, it has been classified as a Variant of Uncertain Significance.

Natera, Inc.
Classification: Likely pathogenic for Enhanced S cone syndrome. Last evaluated: 2025-06-20. Review status: criteria provided, single submitter. Criteria: Natera Variant Classification Schema (03/2026). Collection method: clinical testing. Allele origin: germline.
Comment: The c.248G>A variant in NR2E3 is a missense variant predicted to cause substitution of cysteine to tyrosine at amino acid 83. This variant is rare in the general population with a frequency below the threshold expected for the associated phenotype(s). This variant has been observed in one or more individuals affected with the associated recessive disease, as either homozygous or compound heterozygous with a second variant (PMID: 20725840, 32679203, 37734845). This variant has been identified in one or more affected individuals with a phenotype highly consistent with the associated gene (PMID: 20725840). Computational prediction algorithms indicate this variant is likely to affect gene or protein function. Given the available evidence, this variant is classified as Likely Pathogenic.

Baylor Genetics
Classification: Likely pathogenic for ENHANCED S-CONE SYNDROME 1. Last evaluated: 2023-04-28. Review status: criteria provided, single submitter. Criteria: ACMG Guidelines, 2015. Collection method: clinical testing. Allele origin: unknown.

Literature cited by the submitters: PubMed 20725840 (cited by Labcorp Genetics (formerly Invitae), Labcorp and Natera, Inc.); PubMed 32679203 (cited by Labcorp Genetics (formerly Invitae), Labcorp and Natera, Inc.); PubMed 37734845 (cited by Labcorp Genetics (formerly Invitae), Labcorp and Natera, Inc.).